The following is an entry in ClinVar:

ClinVar aggregate classification (germline): Uncertain significance. Review status: criteria provided, multiple submitters, no conflicts (2 of 4 stars). 2 submissions from 2 submitters: Uncertain significance (2). Last evaluated 2026-09-08.

Conditions:
TMEM67-related disorder. Also called: TMEM67-related condition; TMEM67-related disorders. Identifiers: MedGen CN239423.
Nephronophthisis 11 (NPHP11). Identifiers: Orphanet 84081, MedGen C3150796, MONDO:0013302, OMIM 613550.
RHYNS syndrome. Also called: RETINITIS PIGMENTOSA SYNDROME; RETINITIS PIGMENTOSA, HYPOPITUITARISM, NEPHRONOPHTHISIS, AND MILD SKELETAL DYSPLASIA. Identifiers: Orphanet 140976, MedGen C1865794, MONDO:0011202, OMIM 602152.
COACH syndrome 1. Identifiers: Orphanet 1454, MedGen C5435651, MONDO:0800103, OMIM 216360, MONDO:0008996.
Joubert syndrome 6 (JBTS6). Identifiers: Orphanet 475, MedGen C1853153, MONDO:0012539, OMIM 610688.
Meckel syndrome, type 3 (MKS3). Also called: MECKEL-GRUBER SYNDROME, TYPE 3. Identifiers: Orphanet 564, MedGen C1846357, MONDO:0011821, OMIM 607361.
Bardet-Biedl syndrome 14 (BBS14). Identifiers: Orphanet 110, MedGen C2673874, MONDO:0014442, OMIM 615991.

gnomAD v4.1: 3 of 1,613,118 alleles (0.00019%); highest among the groups gnomAD compares: African/African-American, 0.0013%; no homozygotes.

Submissions (2):

PreventionGenetics, part of Exact Sciences
Classification: Uncertain significance for TMEM67-related condition. Last evaluated: 2026-09-08. Review status: criteria provided, single submitter. Criteria: ACMG Guidelines, 2015. Collection method: clinical testing. Allele origin: germline.
Comment: The TMEM67 c.1289-7A>G variant is predicted to interfere with splicing. To our knowledge, this variant has not been reported in the literature. This variant is predicted to alter splicing based on available splicing prediction programs (SpliceAI, Jaganathan et al. 2019. PubMed ID: 30661751). However, the use of computer prediction programs is not equivalent to functional evidence. This variant is reported in 0.0083% of alleles in individuals of African descent in gnomAD. At this time, the clinical significance of this variant is uncertain due to the absence of conclusive functional and genetic evidence.

Fulgent Genetics
Classification: Uncertain significance for COACH syndrome 1; RHYNS syndrome; Meckel syndrome, type 3; Joubert syndrome 6; Nephronophthisis 11; Bardet-Biedl syndrome 14. Last evaluated: 2024-02-15. Review status: criteria provided, single submitter. Criteria: ACMG Guidelines, 2015. Collection method: clinical testing. Allele origin: germline.

NM_153704.6(TMEM67):c.1289-7A>G

Gene: TMEM67 (transmembrane protein 67; plus strand). Cytogenetic location: 8q22.1.
Variant type: single nucleotide variant.
Coding change: c.1289-7A>G on transcript NM_153704.6 (MANE Select); 7 bases into the intron before coding-DNA position 1289, A replaced by G.
Molecular consequence: intron variant.
Genome position (GRCh38, 1-based): chr8:93,786,216, A>G. VCF-style: chr8-93786216-A-G. GRCh37 (hg19) VCF-style: chr8-94798444-A-G.
Other names: c.1046-7A>G (NM_001142301.1); c.1289-7A>G (NM_153704.5).
Identifiers: ClinVar variation 3595972 (VCV003595972.2).